The following is an entry in ClinVar:

ClinVar aggregate classification (germline): Uncertain significance. Review status: criteria provided, multiple submitters, no conflicts (2 of 4 stars). 2 submissions from 2 submitters: Uncertain significance (2). Last evaluated 2025-11-03.

Allele frequency attached by ClinVar (database versions not stated): gnomAD exomes 0.00001; gnomAD 0.00015; TOPMed 0.00031.
gnomAD v4.1: 34 of 1,613,786 alleles (0.0021%); highest among the groups gnomAD compares: Admixed American, 0.045%; no homozygotes.

Submissions (2):

Ambry Genetics
Classification: Uncertain significance. Last evaluated: 2025-11-03. Review status: criteria provided, single submitter. Criteria: Ambry Variant Classification Scheme 2023. Collection method: clinical testing. Allele origin: germline.

Labcorp Genetics (formerly Invitae), Labcorp
Classification: Uncertain significance. Last evaluated: 2025-09-21. Review status: criteria provided, single submitter. Criteria: Invitae Variant Classification Sherloc (09022015). Collection method: clinical testing. Allele origin: germline.
Comment: This sequence change replaces threonine, which is neutral and polar, with serine, which is neutral and polar, at codon 140 of the IL12RB2 protein (p.Thr140Ser). This variant is present in population databases (rs201364780, gnomAD 0.006%). This variant has not been reported in the literature in individuals affected with IL12RB2-related conditions. ClinVar contains an entry for this variant (Variation ID: 1442801). An algorithm developed to predict the effect of missense changes on protein structure and function (PolyPhen-2) suggests that this variant is likely to be tolerated. In summary, the available evidence is currently insufficient to determine the role of this variant in disease. Therefore, it has been classified as a Variant of Uncertain Significance.

NM_001374259.2(IL12RB2):c.418A>T (p.Thr140Ser)

Gene: IL12RB2 (interleukin 12 receptor subunit beta 2; plus strand). Cytogenetic location: 1p31.3.
Variant type: single nucleotide variant.
Coding change: c.418A>T on transcript NM_001374259.2 (MANE Select); coding-DNA position 418, A replaced by T.
Protein change: p.Thr140Ser; replaces threonine 140 with serine.
Molecular consequence: missense variant. On other transcripts: non-coding transcript variant (2).
Genome position (GRCh38, 1-based): chr1:67,326,788, A>T. VCF-style: chr1-67326788-A-T. GRCh37 (hg19) VCF-style: chr1-67792471-A-T.
Other names: c.418A>T, p.Thr140Ser (NM_001258214.1, NM_001258215.1, NM_001258216.1 and 2 more transcripts); c.418A>T (NM_001559.2); short protein forms T140S.
Identifiers: ClinVar variation 1442801 (VCV001442801.8), dbSNP rs201364780, ClinGen allele CA23499954.
Genomic context (GRCh38, chr1:67,326,788, plus strand): 5'-TTTAAAGTTGCTCCAGAACAGCCTCAAAATTTATCCTGCATACAGAAGGGAGAACAGGGG[A>T]CTGTGGCCTGCACCTGGGAAAGAGGACGAGACACCCACTTATACACTGAGTATACTCTAC-3'
Protein context (NP_001361188.1, residues 130-150): LSCIQKGEQG[Thr140Ser]VACTWERGRD